The following is an entry in ClinVar:

NM_021971.4(GMPPB):c.1039_1042dup (p.Ser348Ter)

Gene: GMPPB (GDP-mannose pyrophosphorylase B; minus strand). Cytogenetic location: 3p21.31.
Variant type: Duplication.
Coding change: c.1039_1042dup on transcript NM_021971.4 (MANE Select); coding-DNA positions 1039 to 1042, 4 bases duplicated (AAGT; older notation c.1039_1042dupAAGT).
Protein change: p.Ser348Ter; replaces serine 348 with a stop codon.
Molecular consequence: nonsense.
Genome position (GRCh38, 1-based): chr3:49,721,793-49,721,796, ACTT duplicated on the plus strand (AAGT on the coding strand, the reverse complement: GMPPB is on the minus strand). VCF-style (leftmost placement, unchanged base first): chr3-49721792-G-GACTT. GRCh37 (hg19) VCF-style: chr3-49759225-G-GACTT.
Other names: c.1120_1123dup, p.Ser375Ter (NM_013334.4); short protein forms S348*, S375*.
Identifiers: ClinVar variation 1508556 (VCV001508556.8), dbSNP rs1210040661, ClinGen allele CA543050840.

ClinVar aggregate classification (germline): Pathogenic (1 of 4 stars; one submission).

Conditions:
Muscular dystrophy-dystroglycanopathy (congenital with impaired intellectual development), type B, 14. Also called: Congenital muscular dystrophy-dystroglycanopathy with mental retardation, type B14; Muscular dystrophy-dystroglycanopathy (congenital with intellectual disability), type B14; MUSCULAR DYSTROPHY, CONGENITAL, GMPPB-RELATED. Identifiers: MedGen C3809221, MONDO:0014141, OMIM 615351.
Autosomal recessive limb-girdle muscular dystrophy type 2T. Also called: MUSCULAR DYSTROPHY-DYSTROGLYCANOPATHY, LIMB-GIRDLE, GMPPB-RELATED; MUSCULAR DYSTROPHY, LIMB-GIRDLE, TYPE 2T; Muscular dystrophy-dystroglycanopathy (limb-girdle), type c, 14; Limb-girdle muscular dystrophy-dystroglycanopathy, type C14. Identifiers: Orphanet 363623, MedGen C4518000, MONDO:0014142, OMIM 615352.
Muscular dystrophy-dystroglycanopathy (congenital with brain and eye anomalies), type A14. Also called: Congenital muscular dystrophy-dystroglycanopathy with brain and eye anomalies, type A14; WALKER-WARBURG SYNDROME OR MUSCLE-EYE-BRAIN DISEASE, GMPPB-RELATED; Muscular dystrophy-dystroglycanopathy (congenital with brain and eye anomalies), type a, 14; Congenital Muscular Dystrophy-Dystroglycanopathy with Brain and Eye Anomalies Type A 14. Identifiers: Orphanet 588, MedGen C3809216, MONDO:0014140, OMIM 615350.

Allele frequency attached by ClinVar (database versions not stated): gnomAD exomes below 0.00001.

Submission:

Labcorp Genetics (formerly Invitae), Labcorp
Classification: Pathogenic for Autosomal recessive limb-girdle muscular dystrophy type 2T; Muscular dystrophy-dystroglycanopathy (congenital with brain and eye anomalies), type A14; Muscular dystrophy-dystroglycanopathy (congenital with impaired intellectual development), type B, 14. Last evaluated: 2022-08-31. Review status: criteria provided, single submitter. Criteria: Invitae Variant Classification Sherloc (09022015). Collection method: clinical testing. Allele origin: germline.
Comment: This variant is present in population databases (no rsID available, gnomAD 0.003%). Algorithms developed to predict the effect of sequence changes on RNA splicing suggest that this variant may create or strengthen a splice site. For these reasons, this variant has been classified as Pathogenic. This variant disrupts a region of the GMPPB protein in which other variant(s) (p.Arg357His) have been determined to be pathogenic (PMID: 28433477, 33756069). This suggests that this is a clinically significant region of the protein, and that variants that disrupt it are likely to be disease-causing. ClinVar contains an entry for this variant (Variation ID: 1508556). This variant has not been reported in the literature in individuals affected with GMPPB-related conditions. This sequence change creates a premature translational stop signal (p.Ser348*) in the GMPPB gene. While this is not anticipated to result in nonsense mediated decay, it is expected to disrupt the last 13 amino acid(s) of the GMPPB protein.

Literature cited by the submitters: PubMed 28433477; PubMed 33756069.